The following is an entry in ClinVar:

ClinVar aggregate classification (germline): Conflicting classifications of pathogenicity. Review status: criteria provided, conflicting classifications (1 of 4 stars). 3 submissions from 3 submitters: Uncertain significance (2); Likely benign (1). Last evaluated 2025-05-08.

Conditions:
Hereditary breast ovarian cancer syndrome. Also called: BRCA1- and BRCA2-Associated Hereditary Breast and Ovarian Cancer; Hereditary breast and ovarian cancer syndrome; Hereditary breast and ovarian cancer syndrome (HBOC); Hereditary breast and/or ovarian cancer syndrome; Breast and ovarian cancer; Hereditary breast and ovarian cancer. Identifiers: Orphanet 145, MedGen C0677776, MeSH D061325, MONDO:0003582. Disease mechanism: loss of function.
Hereditary cancer-predisposing syndrome. Also called: Hereditary neoplastic syndrome; Neoplastic Syndromes, Hereditary; Hereditary Cancer Syndrome; Tumor predisposition. Identifiers: Orphanet 140162, MedGen C0027672, MeSH D009386, MONDO:0015356.

Submissions (3):

Ambry Genetics
Classification: Likely benign for Hereditary cancer-predisposing syndrome. Last evaluated: 2025-05-08. Review status: criteria provided, single submitter. Criteria: Ambry Variant Classification Scheme 2023. Collection method: clinical testing. Allele origin: germline.

Labcorp Genetics (formerly Invitae), Labcorp
Classification: Uncertain significance for Hereditary breast ovarian cancer syndrome. Last evaluated: 2025-04-01. Review status: criteria provided, single submitter. Criteria: Invitae Variant Classification Sherloc (09022015). Collection method: clinical testing. Allele origin: germline.
Comment: This sequence change replaces threonine, which is neutral and polar, with isoleucine, which is neutral and non-polar, at codon 2783 of the BRCA2 protein (p.Thr2783Ile). This variant is not present in population databases (gnomAD no frequency). This variant has not been reported in the literature in individuals affected with BRCA2-related conditions. ClinVar contains an entry for this variant (Variation ID: 657617). Invitae Evidence Modeling of protein sequence and biophysical properties (such as structural, functional, and spatial information, amino acid conservation, physicochemical variation, residue mobility, and thermodynamic stability) indicates that this missense variant is not expected to disrupt BRCA2 protein function with a negative predictive value of 95%. In summary, the available evidence is currently insufficient to determine the role of this variant in disease. Therefore, it has been classified as a Variant of Uncertain Significance.

GeneDx
Classification: Uncertain significance. Last evaluated: 2019-12-31. Review status: criteria provided, single submitter. Criteria: GeneDx Variant Classification Process June 2021. Collection method: clinical testing. Allele origin: germline. Affected: yes.
Comment: Has not been previously published as pathogenic or benign to our knowledge; In silico analysis, which includes protein predictors and evolutionary conservation, supports that this variant does not alter protein structure/function; Not observed in large population cohorts (Lek et al., 2016); Also known as 8576C>T

NM_000059.4(BRCA2):c.8348C>T (p.Thr2783Ile)

Gene: BRCA2 (BRCA2 DNA repair associated; plus strand). Cytogenetic location: 13q13.1.
Variant type: single nucleotide variant.
Coding change: c.8348C>T on transcript NM_000059.4 (MANE Select); coding-DNA position 8348, C replaced by T.
Protein change: p.Thr2783Ile; replaces threonine 2783 with isoleucine.
Molecular consequence: missense variant.
Genome position (GRCh38, 1-based): chr13:32,370,418, C>T. VCF-style: chr13-32370418-C-T. GRCh37 (hg19) VCF-style: chr13-32944555-C-T.
Other names: short protein forms T2783I.
Identifiers: ClinVar variation 657617 (VCV000657617.13), dbSNP rs1555287610, ClinGen allele CA387752383.